The following is an entry in ClinVar:

NM_198578.4(LRRK2):c.4112T>C (p.Ile1371Thr)

Gene: LRRK2 (leucine rich repeat kinase 2; plus strand). Cytogenetic location: 12q12.
Variant type: single nucleotide variant.
Coding change: c.4112T>C on transcript NM_198578.4 (MANE Select); coding-DNA position 4112, T replaced by C.
Protein change: p.Ile1371Thr; replaces isoleucine 1371 with threonine.
Molecular consequence: missense variant.
Genome position (GRCh38, 1-based): chr12:40,308,619, T>C. VCF-style: chr12-40308619-T-C. GRCh37 (hg19) VCF-style: chr12-40702421-T-C.
Other names: short protein forms I1371T.
Identifiers: ClinVar variation 1737940 (VCV001737940.3), dbSNP rs1944918293, ClinGen allele CA384417778.

ClinVar aggregate classification (germline): Uncertain significance (1 of 4 stars; one submission).

Conditions:
Inborn genetic diseases. Identifiers: MedGen C0950123, MeSH D030342.

Allele frequency attached by ClinVar (database versions not stated): gnomAD exomes below 0.00001.
gnomAD v4.1: 2 of 1,614,056 alleles (0.00012%); highest among the groups gnomAD compares: African/African-American, 0.0013%; no homozygotes.

Submission:

Ambry Genetics
Classification: Uncertain significance for Inborn genetic diseases. Last evaluated: 2024-07-15. Review status: criteria provided, single submitter. Criteria: Ambry Variant Classification Scheme 2023. Collection method: clinical testing. Allele origin: germline.
Comment: The p.I1371T variant (also known as c.4112T>C), located in coding exon 29 of the LRRK2 gene, results from a T to C substitution at nucleotide position 4112. The isoleucine at codon 1371 is replaced by threonine, an amino acid with similar properties. This amino acid position is conserved. In addition, this alteration is predicted to be deleterious by in silico analysis. Since supporting evidence is limited at this time, the clinical significance of this alteration remains unclear.